The following is an entry in ClinVar:

ClinVar aggregate classification (germline): Uncertain significance (1 of 4 stars; one submission).

Submission:

Labcorp Genetics (formerly Invitae), Labcorp
Classification: Uncertain significance. Last evaluated: 2022-08-07. Review status: criteria provided, single submitter. Criteria: Invitae Variant Classification Sherloc (09022015). Collection method: clinical testing. Allele origin: germline.
Comment: Algorithms developed to predict the effect of missense changes on protein structure and function are either unavailable or do not agree on the potential impact of this missense change (SIFT: "Tolerated"; PolyPhen-2: "Probably Damaging"; Align-GVGD: "Class C0"). In summary, the available evidence is currently insufficient to determine the role of this variant in disease. Therefore, it has been classified as a Variant of Uncertain Significance. This variant has not been reported in the literature in individuals affected with PITRM1-related conditions. This variant is not present in population databases (gnomAD no frequency). This sequence change replaces proline, which is neutral and non-polar, with serine, which is neutral and polar, at codon 474 of the PITRM1 protein (p.Pro474Ser).

NM_014889.4(PITRM1):c.1516C>T (p.Pro506Ser)

Gene: PITRM1 (pitrilysin metallopeptidase 1; minus strand). Cytogenetic location: 10p15.2.
Variant type: single nucleotide variant.
Coding change: c.1516C>T on transcript NM_014889.4 (MANE Select); coding-DNA position 1516, C replaced by T.
Protein change: p.Pro506Ser; replaces proline 506 with serine.
Molecular consequence: missense variant. On other transcripts: non-coding transcript variant (4).
Genome position (GRCh38, 1-based): chr10:3,155,696, G>A on the plus strand (C>T on the coding strand, the complement: PITRM1 is on the minus strand). VCF-style: chr10-3155696-G-A. GRCh37 (hg19) VCF-style: chr10-3197888-G-A.
Other names: c.1516C>T, p.Pro506Ser (NM_001242307.2, NM_001347725.2); c.1420C>T, p.Pro474Ser (NM_001242309.1); c.901C>T, p.Pro301Ser (NM_001347726.2, NM_001347727.2); c.211C>T, p.Pro71Ser (NM_001347728.2); c.1492C>T, p.Pro498Ser (NM_001347729.1, NM_001347730.1); short protein forms P474S, P301S, P498S, P506S, P71S.
Identifiers: ClinVar variation 2022465 (VCV002022465.4), dbSNP rs1841920393, ClinGen allele CA375874406.